The following is an entry in ClinVar:

NM_003072.5(SMARCA4):c.4640A>G (p.Tyr1547Cys)

Gene: SMARCA4 (SWI/SNF related BAF chromatin remodeling complex subunit ATPase 4; plus strand). Cytogenetic location: 19p13.2.
Variant type: single nucleotide variant.
Coding change: c.4640A>G on transcript NM_003072.5 (MANE Select); coding-DNA position 4640, A replaced by G.
Protein change: p.Tyr1547Cys; replaces tyrosine 1547 with cysteine.
Molecular consequence: missense variant. On other transcripts: non-coding transcript variant (1).
Genome position (GRCh38, 1-based): chr19:11,059,757, A>G. VCF-style: chr19-11059757-A-G. GRCh37 (hg19) VCF-style: chr19-11170433-A-G.
Other names: c.4640A>G, p.Tyr1547Cys (NM_001128844.3); c.4550A>G, p.Tyr1517Cys (NM_001128845.2); c.4547A>G, p.Tyr1516Cys (NM_001128846.2); c.4541A>G, p.Tyr1514Cys (NM_001128847.4, NM_001374457.1); c.4538A>G, p.Tyr1513Cys (NM_001128848.2); c.4736A>G, p.Tyr1579Cys (NM_001128849.3, NM_001387283.1); short protein forms Y1517C, Y1547C, Y1516C, Y1579C, Y1513C, Y1514C.
Identifiers: ClinVar variation 648583 (VCV000648583.11), dbSNP rs1600643435, ClinGen allele CA404079160.

ClinVar aggregate classification (germline): Uncertain significance. Review status: criteria provided, multiple submitters, no conflicts (2 of 4 stars). 2 submissions from 2 submitters: Uncertain significance (2). Last evaluated 2024-10-15.

Conditions:
Hereditary cancer-predisposing syndrome. Also called: Neoplastic Syndromes, Hereditary; Tumor predisposition; Hereditary Cancer Syndrome; Hereditary neoplastic syndrome. Identifiers: Orphanet 140162, MedGen C0027672, MeSH D009386, MONDO:0015356.
Rhabdoid tumor predisposition syndrome 2 (RTPS2). Identifiers: Orphanet 231108, Orphanet 69077, MedGen C2750074, MONDO:0013224, OMIM 613325.

Submissions (2):

Ambry Genetics
Classification: Uncertain significance for Hereditary cancer-predisposing syndrome. Last evaluated: 2024-10-15. Review status: criteria provided, single submitter. Criteria: Ambry Variant Classification Scheme 2023. Collection method: clinical testing. Allele origin: germline.
Comment: The p.Y1579C variant (also known as c.4736A>G), located in coding exon 33 of the SMARCA4 gene, results from an A to G substitution at nucleotide position 4736. The tyrosine at codon 1579 is replaced by cysteine, an amino acid with highly dissimilar properties. This amino acid position is highly conserved in available vertebrate species. In addition, the in silico prediction for this alteration is inconclusive. Since supporting evidence is limited at this time, the clinical significance of this alteration remains unclear.

Labcorp Genetics (formerly Invitae), Labcorp
Classification: Uncertain significance for Rhabdoid tumor predisposition syndrome 2. Last evaluated: 2023-10-17. Review status: criteria provided, single submitter. Criteria: Invitae Variant Classification Sherloc (09022015). Collection method: clinical testing. Allele origin: germline.
Comment: This sequence change replaces tyrosine, which is neutral and polar, with cysteine, which is neutral and slightly polar, at codon 1579 of the SMARCA4 protein (p.Tyr1579Cys). This variant is not present in population databases (gnomAD no frequency). This variant has not been reported in the literature in individuals affected with SMARCA4-related conditions. ClinVar contains an entry for this variant (Variation ID: 648583). Advanced modeling of protein sequence and biophysical properties (such as structural, functional, and spatial information, amino acid conservation, physicochemical variation, residue mobility, and thermodynamic stability) has been performed at Invitae for this missense variant, however the output from this modeling did not meet the statistical confidence thresholds required to predict the impact of this variant on SMARCA4 protein function. In summary, the available evidence is currently insufficient to determine the role of this variant in disease. Therefore, it has been classified as a Variant of Uncertain Significance.